The following is an entry in ClinVar:

NM_001394062.1(MACF1):c.21064G>A (p.Ala7022Thr)

Gene: MACF1 (microtubule actin crosslinking factor 1; plus strand). Cytogenetic location: 1p34.3.
Variant type: single nucleotide variant.
Coding change: c.21064G>A on transcript NM_001394062.1 (MANE Select); coding-DNA position 21064, G replaced by A.
Protein change: p.Ala7022Thr; replaces alanine 7022 with threonine.
Molecular consequence: missense variant.
Genome position (GRCh38, 1-based): chr1:39,455,086, G>A. VCF-style: chr1-39455086-G-A. GRCh37 (hg19) VCF-style: chr1-39920758-G-A.
Other names: c.14887G>A, p.Ala4963Thr (NM_012090.5); short protein forms A4963T, A7022T.
Identifiers: ClinVar variation 1299283 (VCV001299283.3), dbSNP rs142006710, ClinGen allele CA784536.

ClinVar aggregate classification (germline): Conflicting classifications of pathogenicity. Review status: criteria provided, conflicting classifications (1 of 4 stars). 4 submissions from 4 submitters: Uncertain significance (1); Likely benign (1). 2 of the submissions do not count toward it. Last evaluated 2025-10-31.

Allele frequency attached by ClinVar (database versions not stated): 1000 Genomes Project 30x 0.00016; 1000 Genomes Project 0.00020; ESP Exome Variant Server 0.00038.
gnomAD v4.1: 410 of 1,613,816 alleles (0.025%); highest among the groups gnomAD compares: Non-Finnish European, 0.031%; 2 homozygotes.

Submissions (4):

Labcorp Genetics (formerly Invitae), Labcorp
Classification: Uncertain significance. Last evaluated: 2025-10-31. Review status: criteria provided, single submitter. Criteria: Invitae Variant Classification Sherloc (09022015). Collection method: clinical testing. Allele origin: germline.
Comment: This sequence change replaces alanine, which is neutral and non-polar, with threonine, which is neutral and polar, at codon 4963 of the MACF1 protein (p.Ala4963Thr). This variant is present in population databases (rs142006710, gnomAD 0.04%), and has an allele count higher than expected for a pathogenic variant. This variant has not been reported in the literature in individuals affected with MACF1-related conditions. ClinVar contains an entry for this variant (Variation ID: 1299283). An algorithm developed to predict the effect of missense changes on protein structure and function outputs the following: PolyPhen-2: "Benign". The threonine amino acid residue is found in multiple mammalian species, which suggests that this missense change does not adversely affect protein function. In summary, the available evidence is currently insufficient to determine the role of this variant in disease. Therefore, it has been classified as a Variant of Uncertain Significance.

Blueprint Genetics
Classification: Likely benign. Last evaluated: 2024-11-11. Review status: criteria provided, single submitter. Criteria: ACMG Guidelines, 2015. Collection method: clinical testing. Allele origin: germline.

Clinical Genetics DNA and cytogenetics Diagnostics Lab, Erasmus MC, Erasmus Medical Center
Classification: Likely benign. Review status: no assertion criteria provided. Collection method: clinical testing. Allele origin: germline. Affected: yes. Study: VKGL Data-share Consensus. Not counted in ClinVar's aggregate classification.

Diagnostic Laboratory, Department of Genetics, University Medical Center Groningen
Classification: Likely benign. Review status: no assertion criteria provided. Collection method: clinical testing. Allele origin: germline. Affected: yes. Study: VKGL Data-share Consensus. Not counted in ClinVar's aggregate classification.